The following is an entry in ClinVar:

ClinVar aggregate classification (germline): Pathogenic/Likely pathogenic. Review status: criteria provided, multiple submitters, no conflicts (2 of 4 stars). 2 submissions from 2 submitters: Pathogenic (1); Likely pathogenic (1). Last evaluated 2025-05-08.

Conditions:
Nemaline myopathy 2 (NEM2). Also called: Nemaline myopathy 2, autosomal recessive. Identifiers: MedGen C1850569, MONDO:0009725, OMIM 256030.

Submissions (2):

Natera, Inc.
Classification: Likely pathogenic for Nemaline myopathy type 2. Last evaluated: 2025-05-08. Review status: criteria provided, single submitter. Criteria: Natera Variant Classification Schema (03/2026). Collection method: clinical testing. Allele origin: germline.
Comment: The c.13560G>A variant in NEB is a nonsense variant predicted to introduce a stop codon at amino acid 4520. This variant is expected to result in nonsense mediated decay, truncation, or a dysfunctional protein product. This variant is rare in the general population with a frequency below the threshold expected for the associated phenotype(s). Given the available evidence, this variant is classified as Likely Pathogenic.

Labcorp Genetics (formerly Invitae), Labcorp
Classification: Pathogenic for Nemaline myopathy 2. Last evaluated: 2023-02-25. Review status: criteria provided, single submitter. Criteria: Invitae Variant Classification Sherloc (09022015). Collection method: clinical testing. Allele origin: germline.
Comment: For these reasons, this variant has been classified as Pathogenic. This variant has not been reported in the literature in individuals affected with NEB-related conditions. The frequency data for this variant in the population databases (gnomAD) is considered unreliable due to the presence of homologous sequence, such as pseudogenes or paralogs, in the genome. This sequence change creates a premature translational stop signal (p.Trp4520*) in the NEB gene. It is expected to result in an absent or disrupted protein product. Loss-of-function variants in NEB are known to be pathogenic (PMID: 25205138). This variant occurs in a region of NEB (Exons 82-105) consisting of three highly homologous 8-exon repeat units (exons 82-89, exons 90-97, exons 98-105). Sequence variants in this region can be detected, but this assay cannot determine which of the three repeat units is affected, and zygosity is often ambiguous. All variants in this region are reported relative to the exon 82-89 repeat.

Literature cited by the submitters: PubMed 25205138 (cited by Labcorp Genetics (formerly Invitae), Labcorp).

NM_001164508.2(NEB):c.13560G>A (p.Trp4520Ter)

Gene: NEB (nebulin; minus strand). Cytogenetic location: 2q23.3.
Variant type: single nucleotide variant.
Coding change: c.13560G>A on transcript NM_001164508.2 (MANE Select); coding-DNA position 13560, G replaced by A.
Protein change: p.Trp4520Ter; replaces tryptophan 4520 with a stop codon.
Molecular consequence: nonsense. On other transcripts: intron variant (1).
Genome position (GRCh38, 1-based): chr2:151,600,670, C>T on the plus strand (G>A on the coding strand, the complement: NEB is on the minus strand). VCF-style: chr2-151600670-C-T. GRCh37 (hg19) VCF-style: chr2-152457184-C-T.
Other names: c.13560G>A, p.Trp4520Ter (NM_001164507.2, NM_001271208.2); c.11601+9139G>A (NM_004543.5); short protein forms W4520*.
Identifiers: ClinVar variation 2795274 (VCV002795274.5), dbSNP rs2552219832, ClinGen allele CA348768939.